The following is an entry in ClinVar:

ClinVar aggregate classification (germline): Uncertain significance. Review status: criteria provided, single submitter (1 of 4 stars). 3 submissions from 3 submitters: Uncertain significance (1). 2 of the submissions do not count toward it. Last evaluated 2018-08-08.

Conditions:
Alstrom syndrome (ALMS). Identifiers: Orphanet 64, MedGen C0268425, MONDO:0008763, OMIM 203800.

gnomAD v4.1: 5 of 1,613,358 alleles (0.00031%); highest among the groups gnomAD compares: African/African-American, 0.0054%; no homozygotes.

Submissions (6):

Laboratory for Molecular Medicine, Mass General Brigham Personalized Medicine
Classification: Uncertain significance. Last evaluated: 2018-08-08. Review status: criteria provided, single submitter. Criteria: LMM Criteria. Collection method: clinical testing. Allele origin: germline. Observed: 1 variant allele.
Comment: The p.Arg2286Leu variant in ALMS1 has not been previously reported in individual s with Alstrom syndrome, but has been identified in 0.007% (1/15254) of African chromosomes by the Genome Aggregation Database (gnomAD). Computational prediction tools and conservation analyses suggest that this variant may not impact the protein, though this information is not predict ive enough to rule out pathogenicity. In summary, the clinical significance of t his variant is uncertain. ACMG/AMP criteria applied: PM2, BP4.

Natera, Inc.
Classification: Uncertain significance for Alstrom syndrome. Last evaluated: 2021-03-05. Review status: no assertion criteria provided. Collection method: clinical testing. Allele origin: germline. Not counted in ClinVar's aggregate classification.

Counsyl
Classification: Uncertain significance for Alstrom syndrome. Last evaluated: 2017-01-11. Review status: no assertion criteria provided. Collection method: clinical testing. Allele origin: unknown. Not counted in ClinVar's aggregate classification.

Dr. Peter K. Rogan Lab, Western University
No classification provided (evidence only). Condition: Thyroid cancer, nonmedullary, 1. Review status: no classification provided. Collection method: in vitro. Allele origin: not applicable. Functional consequence: retained intron. Not counted in ClinVar's aggregate classification.

Dr. Peter K. Rogan Lab, Western University
No classification provided (evidence only). Condition: Sarcoma. Review status: no classification provided. Collection method: in vitro. Allele origin: not applicable. Functional consequence: retained intron. Not counted in ClinVar's aggregate classification.

Dr. Peter K. Rogan Lab, Western University
No classification provided (evidence only). Condition: Nonpapillary renal cell carcinoma. Review status: no classification provided. Collection method: in vitro. Allele origin: not applicable. Functional consequence: retained intron. Not counted in ClinVar's aggregate classification.

NM_001378454.1(ALMS1):c.6854G>T (p.Arg2285Leu)

Gene: ALMS1 (ALMS1 centrosome and basal body associated protein; plus strand). Cytogenetic location: 2p13.1.
Variant type: single nucleotide variant.
Coding change: c.6854G>T on transcript NM_001378454.1 (MANE Select); coding-DNA position 6854, G replaced by T.
Protein change: p.Arg2285Leu; replaces arginine 2285 with leucine.
Molecular consequence: missense variant.
Genome position (GRCh38, 1-based): chr2:73,453,381, G>T. VCF-style: chr2-73453381-G-T. GRCh37 (hg19) VCF-style: chr2-73680508-G-T.
Other names: c.6851G>T (NM_015120.4); c.6857G>T, p.Arg2286Leu (NM_015120.4); short protein forms R2286L, R2285L.
Identifiers: ClinVar variation 549971 (VCV000549971.10), dbSNP rs6546839, ClinGen allele CA347289706.
Genomic context (GRCh38, chr2:73,453,381, plus strand): 5'-TTTTGATGGAGGCAGAAAATATGGCACTGAAACGATGCAATTTTCCTGCTCCCCTTGCCC[G>T]TTTCAGAGATATTAGTGATATTTCATTTATACAATCTAAGAAGGTGGTTTGCTTCAAAGA-3'
Protein context (NP_001365383.1, residues 2275-2295): KRCNFPAPLA[Arg2285Leu]FRDISDISFI